The following is an entry in ClinVar:

NM_001377.3(DYNC2H1):c.8887G>T (p.Glu2963Ter)

Gene: DYNC2H1 (dynein cytoplasmic 2 heavy chain 1; plus strand). Cytogenetic location: 11q22.3.
Variant type: single nucleotide variant.
Coding change: c.8887G>T on transcript NM_001377.3 (MANE Select); coding-DNA position 8887, G replaced by T.
Protein change: p.Glu2963Ter; replaces glutamic acid 2963 with a stop codon.
Molecular consequence: nonsense.
Genome position (GRCh38, 1-based): chr11:103,219,969, G>T. VCF-style: chr11-103219969-G-T. GRCh37 (hg19) VCF-style: chr11-103090698-G-T.
Other names: c.8887G>T, p.Glu2963Ter (NM_001080463.2); short protein forms E2963*.
Identifiers: ClinVar variation 5013507 (VCV005013507.1).
Genomic context (GRCh38, chr11:103,219,969, plus strand): 5'-TTATAGGATGCTAGTGAGCAAAAAACAGAACTTGAAAGACTGAAGCACAGAATAGCAGAA[G>T]AAGTTGTTAAAATTGAAGAAAGAAAAAATAAAATTGATGATGAATTAAAAGAAGTACAAG-3'

ClinVar aggregate classification (germline): Pathogenic (1 of 4 stars; one submission).

Conditions:
Asphyxiating thoracic dystrophy 3. Also called: Saldino-Noonan Syndrome; SHORT-RIB THORACIC DYSPLASIA 3 WITH OR WITHOUT POLYDACTYLY; POLYDACTYLY WITH NEONATAL CHONDRODYSTROPHY, TYPE I; SHORT-RIB THORACIC DYSPLASIA 3/6 WITH POLYDACTYLY, DIGENIC; Short rib polydactyly syndrome 2B. Identifiers: Orphanet 474, Orphanet 93269, Orphanet 93270, Orphanet 93271, MedGen C0036069, MONDO:0013127, OMIM 613091.

gnomAD v4.1: 1 of 1,508,158 alleles (0.000066%); highest among the groups gnomAD compares: East Asian, 0.0026%; no homozygotes.

Submission:

Myriad Genetics, Inc.
Classification: Pathogenic for Asphyxiating thoracic dystrophy 3. Last evaluated: 2024-08-30. Review status: criteria provided, single submitter. Criteria: Myriad Autosomal Dominant, Autosomal Recessive and X-Linked Classification Criteria (2023). Collection method: clinical testing. Allele origin: unknown.
Comment: NM_001377.2(DYNC2H1):c.8887G>T(E2963*) is expected to be pathogenic in the context of DYNC2H1-related disorders. This variant is predicted to lead to an abnormal or absent protein product due to the creation of a premature termination codon in DYNC2H1, a gene where loss-of-function variants are known to be pathogenic. Please note: this variant was assessed in the context of healthy population screening.